The following is an entry in ClinVar:

ClinVar aggregate classification (germline): Uncertain significance. Review status: criteria provided, multiple submitters, no conflicts (2 of 4 stars). 4 submissions from 4 submitters: Uncertain significance (4). Last evaluated 2023-03-17.

Conditions:
Familial cancer of breast. Also called: hereditary breast carcinoma; Hereditary breast cancer; BREAST CANCER, FAMILIAL. Identifiers: Orphanet 227535, MedGen C0346153, MONDO:0016419, OMIM 114480. Disease mechanism: loss of function.
Hereditary cancer-predisposing syndrome. Also called: Hereditary neoplastic syndrome; Tumor predisposition; Neoplastic Syndromes, Hereditary; Hereditary Cancer Syndrome. Identifiers: Orphanet 140162, MedGen C0027672, MeSH D009386, MONDO:0015356.
Diffuse midline glioma, H3 K27-altered. Identifiers: MedGen C5669877, MONDO:1060171.

Allele frequency attached by ClinVar (database versions not stated): gnomAD exomes below 0.00001.
gnomAD v4.1: 2 of 1,614,100 alleles (0.00012%); highest among the groups gnomAD compares: Non-Finnish European, 0.00017%; no homozygotes.

Submissions (4):

Ambry Genetics
Classification: Uncertain significance for Hereditary cancer-predisposing syndrome. Last evaluated: 2023-03-17. Review status: criteria provided, single submitter. Criteria: Ambry Variant Classification Scheme 2023. Collection method: clinical testing. Allele origin: germline.
Comment: The p.L174P variant (also known as c.521T>C), located in coding exon 3 of the CHEK2 gene, results from a T to C substitution at nucleotide position 521. The leucine at codon 174 is replaced by proline, an amino acid with similar properties. This amino acid position is well conserved in available vertebrate species. In addition, the in silico prediction for this alteration is inconclusive. Since supporting evidence is limited at this time, the clinical significance of this alteration remains unclear.

Labcorp Genetics (formerly Invitae), Labcorp
Classification: Uncertain significance for Familial cancer of breast. Last evaluated: 2022-09-21. Review status: criteria provided, single submitter. Criteria: Invitae Variant Classification Sherloc (09022015). Collection method: clinical testing. Allele origin: germline.
Comment: In summary, the available evidence is currently insufficient to determine the role of this variant in disease. Therefore, it has been classified as a Variant of Uncertain Significance. Algorithms developed to predict the effect of missense changes on protein structure and function are either unavailable or do not agree on the potential impact of this missense change (SIFT: "Deleterious"; PolyPhen-2: "Benign"; Align-GVGD: "Class C65"). ClinVar contains an entry for this variant (Variation ID: 1692949). This variant has not been reported in the literature in individuals affected with CHEK2-related conditions. This variant is not present in population databases (gnomAD no frequency). This sequence change replaces leucine, which is neutral and non-polar, with proline, which is neutral and non-polar, at codon 174 of the CHEK2 protein (p.Leu174Pro).

Laboratory of Medical Genetics Unit, Bambino Gesù Children's Hospital
Classification: Uncertain significance for Diffuse midline glioma, H3 K27-altered. Last evaluated: 2022-05-16. Review status: criteria provided, single submitter. Criteria: ACMG Guidelines, 2015. Collection method: research. Allele origin: paternal. Affected: yes. Observed: 1 heterozygote.

Sema4
Classification: Uncertain significance for Hereditary cancer-predisposing syndrome. Last evaluated: 2021-08-24. Review status: criteria provided, single submitter. Criteria: Sema4 Curation Guidelines. Collection method: curation. Allele origin: germline.
Comment: To the best of our knowledge, the CHEK2 c.521T>C (p.L174P) variant has not been reported in individuals with CHEK2-related disease. It was not observed in the large and broad cohorts of the Genome Aggregation Database (PMID: 32461654) or in ClinVar. Functional studies have not been performed, and in silico predictions of the variant's effect on protein function are inconclusive. The evidence is insufficient to meet ACMG/AMP criteria for classifying the variant as benign or pathogenic. Thus, the clinical significance of this variant is currently uncertain.

NM_007194.4(CHEK2):c.521T>C (p.Leu174Pro)

Gene: CHEK2 (checkpoint kinase 2; minus strand). Cytogenetic location: 22q12.1.
Variant type: single nucleotide variant.
Coding change: c.521T>C on transcript NM_007194.4 (MANE Select); coding-DNA position 521, T replaced by C.
Protein change: p.Leu174Pro; replaces leucine 174 with proline.
Molecular consequence: missense variant. On other transcripts: 5 prime UTR variant (2), intron variant (1).
Genome position (GRCh38, 1-based): chr22:28,725,048, A>G on the plus strand (T>C on the coding strand, the complement: CHEK2 is on the minus strand). VCF-style: chr22-28725048-A-G. GRCh37 (hg19) VCF-style: chr22-29121036-A-G.
Other names: c.650T>C, p.Leu217Pro (NM_001005735.3, NM_001438294.1); c.-257T>C (NM_001257387.3); c.-143T>C (NM_001437942.1); c.614T>C, p.Leu205Pro (NM_001438293.1, NM_001438295.1); c.521T>C, p.Leu174Pro (NM_145862.3); c.445-125T>C (NM_001349956.3); short protein forms L174P, L217P, L205P.
Identifiers: ClinVar variation 1692949 (VCV001692949.10), dbSNP rs2146059182, ClinGen allele CA411107334.